The following is an entry in ClinVar:

ClinVar aggregate classification (germline): Benign/Likely benign. Review status: criteria provided, multiple submitters, no conflicts (2 of 4 stars). 11 submissions from 11 submitters: Benign (6); Likely benign (5). Last evaluated 2026-09-01.

Conditions:
Lymphangiomyomatosis (LAM). Also called: Lymphangioleiomyomatosis; Lymphangioleiomyomatosis, somatic. Identifiers: Orphanet 538, MedGen C0751674, MONDO:0011705, OMIM 606690.
Tuberous sclerosis 2 (TSC2). Identifiers: Orphanet 805, MedGen C1860707, MONDO:0013199, OMIM 613254.
Isolated focal cortical dysplasia type II (FCORD2). Also called: Focal cortical dysplasia type II; CORTICAL DYSPLASIA OF TAYLOR. Identifiers: Orphanet 268994, MedGen C1846385, MONDO:0011818, OMIM 607341, HP:0032051.
TSC2-related disorder. Also called: TSC2-Related Disorders; TSC2-related condition.
Hereditary cancer-predisposing syndrome. Also called: Hereditary neoplastic syndrome; Tumor predisposition; Neoplastic Syndromes, Hereditary; Hereditary Cancer Syndrome. Identifiers: Orphanet 140162, MedGen C0027672, MeSH D009386, MONDO:0015356.
Tuberous sclerosis syndrome (TSC). Also called: Tuberous Sclerosis Complex; Tuberous sclerosis. Identifiers: Orphanet 805, MedGen C0041341, MONDO:0001734.

Allele frequency attached by ClinVar (database versions not stated): gnomAD exomes 0.00001 and 0.00003; ExAC 0.00003; ESP Exome Variant Server 0.00008; gnomAD 0.00009 and 0.00011; TOPMed 0.00009.
gnomAD v4.1: 27 of 1,612,458 alleles (0.0017%); highest among the groups gnomAD compares: African/African-American, 0.033%; no homozygotes.

Submissions (11):

CeGaT Center for Human Genetics Tuebingen
Classification: Likely benign. Last evaluated: 2026-09-01. Review status: criteria provided, single submitter. Criteria: CeGaT Center For Human Genetics Tuebingen Variant Classification Criteria Version 2. Collection method: clinical testing. Allele origin: germline. Affected: yes. Observed: 1 variant allele.
Comment: TSC2: BP4, BP7

Labcorp Genetics (formerly Invitae), Labcorp
Classification: Benign for Tuberous sclerosis 2. Last evaluated: 2026-01-05. Review status: criteria provided, single submitter. Criteria: Invitae Variant Classification Sherloc (09022015). Collection method: clinical testing. Allele origin: germline.

PreventionGenetics, part of Exact Sciences
Classification: Likely benign for TSC2-related condition. Last evaluated: 2025-09-03. Review status: criteria provided, single submitter. Criteria: ACMG Guidelines, 2015. Collection method: clinical testing. Allele origin: germline.
Comment: This variant is classified as likely benign based on ACMG/AMP sequence variant interpretation guidelines (Richards et al. 2015 PMID: 25741868, with internal and published modifications).

Myriad Genetics, Inc.
Classification: Benign for Tuberous sclerosis 2. Last evaluated: 2025-05-30. Review status: criteria provided, single submitter. Criteria: Myriad Autosomal Dominant, Autosomal Recessive and X-Linked Classification Criteria (2023). Collection method: clinical testing. Allele origin: unknown.
Comment: This variant is considered benign. This variant is a silent/synonymous amino acid change and it is not expected to impact splicing.

KCCC/NGS Laboratory, Kuwait Cancer Control Center
Classification: Benign for Tuberous sclerosis 2. Last evaluated: 2025-02-01. Review status: criteria provided, single submitter. Criteria: ACMG Guidelines, 2015. Collection method: clinical testing. Allele origin: germline. Affected: no.

All of Us Research Program, National Institutes of Health
Classification: Benign for Tuberous sclerosis syndrome. Last evaluated: 2023-12-01. Review status: criteria provided, single submitter. Criteria: ACMG Guidelines, 2015. Collection method: clinical testing. Allele origin: germline. Inheritance: Autosomal dominant inheritance. Observed: 3 variant alleles, 3 heterozygotes.
Comment: This study involves interpretation of variants in research participants for the purpose of population health screening. Participant phenotype was not available at the time of variant classification. Additional details can be found in publication PMID: 35346344, PMCID: PMC8962531

Color Diagnostics, LLC DBA Color Health
Classification: Benign for Tuberous sclerosis syndrome. Last evaluated: 2022-10-03. Review status: criteria provided, single submitter. Criteria: ACMG Guidelines, 2015. Collection method: clinical testing. Allele origin: germline.

Fulgent Genetics
Classification: Likely benign for Lymphangiomyomatosis; Isolated focal cortical dysplasia type II; Tuberous sclerosis 2. Last evaluated: 2022-05-11. Review status: criteria provided, single submitter. Criteria: ACMG Guidelines, 2015. Collection method: clinical testing. Allele origin: unknown.

Genome-Nilou Lab
Classification: Benign for Tuberous sclerosis 2. Last evaluated: 2021-11-07. Review status: criteria provided, single submitter. Criteria: ACMG Guidelines, 2015. Collection method: clinical testing. Allele origin: germline. Affected: no.

GeneDx
Classification: Likely benign. Last evaluated: 2021-05-13. Review status: criteria provided, single submitter. Criteria: GeneDx Variant Classification Process June 2021. Collection method: clinical testing. Allele origin: germline. Affected: yes.

Ambry Genetics
Classification: Likely benign for Hereditary cancer-predisposing syndrome. Last evaluated: 2015-05-04. Review status: criteria provided, single submitter. Criteria: Ambry Variant Classification Scheme 2023. Collection method: clinical testing. Allele origin: germline.

NM_000548.5(TSC2):c.3832C>T (p.Leu1278=)

Gene: TSC2 (TSC complex subunit 2; plus strand). Cytogenetic location: 16p13.3.
Variant type: single nucleotide variant.
Coding change: c.3832C>T on transcript NM_000548.5 (MANE Select); coding-DNA position 3832, C replaced by T.
Protein change: p.Leu1278=; no amino-acid change (leucine 1278 retained).
Molecular consequence: synonymous variant. On other transcripts: intron variant (6).
Genome position (GRCh38, 1-based): chr16:2,082,453, C>T. VCF-style: chr16-2082453-C-T. GRCh37 (hg19) VCF-style: chr16-2132454-C-T.
Other names: c.3100C>T, p.Leu1034= (NM_001318831.2); c.3700C>T, p.Leu1234= (NM_001370404.1); c.3703C>T, p.Leu1235= (NM_001370405.1, NM_021055.3); c.3814+655C>T (NM_001114382.3); c.3685+655C>T (NM_001363528.2); c.3682+655C>T (NM_001077183.3); c.3574+655C>T (NM_001318827.2); c.3538+655C>T (NM_001318829.2); and 2 more.
Identifiers: ClinVar variation 468042 (VCV000468042.27), dbSNP rs374146919, ClinGen allele CA048844.